The following is an entry in ClinVar:

ClinVar aggregate classification (germline): Uncertain significance (1 of 4 stars; one submission).

gnomAD v4.1: 1 of 1,613,750 alleles (0.000062%); highest among the groups gnomAD compares: Non-Finnish European, 0.000085%; no homozygotes.

Submission:

Labcorp Genetics (formerly Invitae), Labcorp
Classification: Uncertain significance. Last evaluated: 2023-08-30. Review status: criteria provided, single submitter. Criteria: Invitae Variant Classification Sherloc (09022015). Collection method: clinical testing. Allele origin: germline.
Comment: This variant has not been reported in the literature in individuals affected with COL4A1-related conditions. In summary, the available evidence is currently insufficient to determine the role of this variant in disease. Therefore, it has been classified as a Variant of Uncertain Significance. An algorithm developed to predict the effect of missense changes on protein structure and function (PolyPhen-2) suggests that this variant is likely to be tolerated. This variant is not present in population databases (gnomAD no frequency). This sequence change replaces alanine, which is neutral and non-polar, with threonine, which is neutral and polar, at codon 620 of the COL4A1 protein (p.Ala620Thr).

NM_001845.6(COL4A1):c.1858G>A (p.Ala620Thr)

Gene: COL4A1 (collagen type IV alpha 1 chain; minus strand). Cytogenetic location: 13q34.
Variant type: single nucleotide variant.
Coding change: c.1858G>A on transcript NM_001845.6 (MANE Select); coding-DNA position 1858, G replaced by A.
Protein change: p.Ala620Thr; replaces alanine 620 with threonine.
Molecular consequence: missense variant.
Genome position (GRCh38, 1-based): chr13:110,186,424, C>T on the plus strand (G>A on the coding strand, the complement: COL4A1 is on the minus strand). VCF-style: chr13-110186424-C-T. GRCh37 (hg19) VCF-style: chr13-110838771-C-T.
Other names: short protein forms A620T.
Identifiers: ClinVar variation 2809724 (VCV002809724.3), dbSNP rs372803920, ClinGen allele CA388722591.